The following is an entry in ClinVar:

ClinVar aggregate classification (germline): Likely benign (1 of 4 stars; one submission).

Allele frequency attached by ClinVar (database versions not stated): gnomAD 0.00001.
gnomAD v4.1: 1 of 1,613,734 alleles (0.000062%); highest among the groups gnomAD compares: African/African-American, 0.0013%; no homozygotes.

Submission:

GeneDx
Classification: Likely benign. Last evaluated: 2016-07-26. Review status: criteria provided, single submitter. Criteria: GeneDx Variant Classification (06012015). Collection method: clinical testing. Allele origin: germline. Affected: yes.
Comment: This variant is considered likely benign or benign based on one or more of the following criteria: it is a conservative change, it occurs at a poorly conserved position in the protein, it is predicted to be benign by multiple in silico algorithms, and/or has population frequency not consistent with disease.

NM_001613.4(ACTA2):c.18C>T (p.Asp6=)

Gene: ACTA2 (actin alpha 2, smooth muscle; minus strand). Cytogenetic location: 10q23.31.
Variant type: single nucleotide variant.
Coding change: c.18C>T on transcript NM_001613.4 (MANE Select); coding-DNA position 18, C replaced by T.
Protein change: p.Asp6=; no amino-acid change (aspartic acid 6 retained).
Molecular consequence: synonymous variant.
Genome position (GRCh38, 1-based): chr10:88,948,913, G>A on the plus strand (C>T on the coding strand, the complement: ACTA2 is on the minus strand). VCF-style: chr10-88948913-G-A. GRCh37 (hg19) VCF-style: chr10-90708670-G-A.
Other names: c.18C>T, p.Asp6= (NM_001141945.3, NM_001320855.2, NM_001406462.1 and 7 more transcripts).
Identifiers: ClinVar variation 387966 (VCV000387966.3), dbSNP rs1057522967, ClinGen allele CA16606753.